The following is an entry in ClinVar:

NM_006767.4(LZTR1):c.751del (p.Lys250_Ile251insTer)

Gene: LZTR1 (leucine zipper like post translational regulator 1; plus strand). Cytogenetic location: 22q11.21.
Variant type: Deletion.
Coding change: c.751del on transcript NM_006767.4 (MANE Select); coding-DNA position 751, one base deleted (A; older notation c.751delA).
Protein change: p.Lys250_Ile251insTer.
Molecular consequence: nonsense.
Genome position (GRCh38, 1-based): chr22:20,990,485, A deleted; the last of 4 consecutive A bases (chr22:20,990,482-20,990,485); deleting any one gives the same sequence. VCF-style (leftmost placement, unchanged base first): chr22-20990481-CA-C. GRCh37 (hg19) VCF-style: chr22-21344770-CA-C.
Identifiers: ClinVar variation 1759322 (VCV001759322.6), dbSNP rs1924568324, ClinGen allele CA1024228903.

ClinVar aggregate classification (germline): Pathogenic/Likely pathogenic. Review status: criteria provided, multiple submitters, no conflicts (2 of 4 stars). 3 submissions from 3 submitters: Pathogenic (2); Likely pathogenic (1). Last evaluated 2025-06-05.

Conditions:
Cardiovascular phenotype. Identifiers: MedGen CN230736.
Hereditary cancer-predisposing syndrome. Also called: Hereditary Cancer Syndrome; Hereditary neoplastic syndrome; Neoplastic Syndromes, Hereditary; Tumor predisposition. Identifiers: Orphanet 140162, MedGen C0027672, MeSH D009386, MONDO:0015356.
LZTR1-related disorder. Also called: LZTR1-related disorders; LZTR1-related condition.

Submissions (3):

Labcorp Genetics (formerly Invitae), Labcorp
Classification: Pathogenic. Last evaluated: 2025-06-05. Review status: criteria provided, single submitter. Criteria: Invitae Variant Classification Sherloc (09022015). Collection method: clinical testing. Allele origin: germline.
Comment: This sequence change creates a premature translational stop signal (p.Ile251*) in the LZTR1 gene. It is expected to result in an absent or disrupted protein product. Loss-of-function variants in LZTR1 are known to be pathogenic (PMID: 24362817, 25335493, 25480913, 25795793, 29469822, 30368668, 30442762, 30442766, 30481304, 30859559). This variant is not present in population databases (gnomAD no frequency). This premature translational stop signal has been observed in individual(s) with congenital heart disease (PMID: 33084842). This variant is also known as 22:21344770 CA>C. ClinVar contains an entry for this variant (Variation ID: 1759322). For these reasons, this variant has been classified as Pathogenic.

Blueprint Genetics
Classification: Likely pathogenic for LZTR1-related disorders. Last evaluated: 2024-03-20. Review status: criteria provided, single submitter. Criteria: ACMG Guidelines, 2015. Collection method: clinical testing. Allele origin: germline. Affected: yes. Observed: 1 variant allele.

Ambry Genetics
Classification: Pathogenic for Cardiovascular phenotype; Hereditary cancer-predisposing syndrome. Last evaluated: 2021-05-07. Review status: criteria provided, single submitter. Criteria: Ambry Variant Classification Scheme 2023. Collection method: clinical testing. Allele origin: germline.
Comment: The c.751delA pathogenic mutation, located in coding exon 8 of the LZTR1 gene, results from a deletion of one nucleotide at nucleotide position 751, causing a translational frameshift with a predicted alternate stop codon (p.I251*). This alteration is expected to result in loss of function by premature protein truncation or nonsense-mediated mRNA decay. Based on the supporting evidence, this variant is pathogenic for an increased risk of nerve sheath tumors and would be expected to cause autosomal recessive Noonan syndrome when present along with a second pathogenic or likely pathogenic variant on the other allele.

Literature cited by the submitters: PubMed 24362817 (cited by Labcorp Genetics (formerly Invitae), Labcorp); PubMed 25335493 (cited by Labcorp Genetics (formerly Invitae), Labcorp); PubMed 25480913 (cited by Labcorp Genetics (formerly Invitae), Labcorp); PubMed 25795793 (cited by Labcorp Genetics (formerly Invitae), Labcorp); PubMed 29469822 (cited by Labcorp Genetics (formerly Invitae), Labcorp); PubMed 30368668 (cited by Labcorp Genetics (formerly Invitae), Labcorp); PubMed 30442762 (cited by Labcorp Genetics (formerly Invitae), Labcorp); PubMed 30442766 (cited by Labcorp Genetics (formerly Invitae), Labcorp); PubMed 30481304 (cited by Labcorp Genetics (formerly Invitae), Labcorp); PubMed 30859559 (cited by Labcorp Genetics (formerly Invitae), Labcorp); PubMed 33084842 (cited by Labcorp Genetics (formerly Invitae), Labcorp).